The following is an entry in ClinVar:

ClinVar aggregate classification (germline): Benign. Review status: criteria provided, multiple submitters, no conflicts (2 of 4 stars). 2 submissions from 2 submitters: Benign (2). Last evaluated 2018-06-16.

Allele frequency attached by ClinVar (database versions not stated): gnomAD 0.22296 and 0.23041; TOPMed 0.23254; 1000 Genomes Project 0.24042; 1000 Genomes Project 30x 0.24719.
gnomAD v4.1: 172,164 of 1,253,616 alleles (14%); highest among the groups gnomAD compares: African/African-American, 48%; 16,557 homozygotes.

Submissions (2):

GeneDx
Classification: Benign. Last evaluated: 2018-06-16. Review status: criteria provided, single submitter. Criteria: GeneDx Variant Classification (06012015). Collection method: clinical testing. Allele origin: germline. Affected: yes.
Comment: This variant is considered likely benign or benign based on one or more of the following criteria: it is a conservative change, it occurs at a poorly conserved position in the protein, it is predicted to be benign by multiple in silico algorithms, and/or has population frequency not consistent with disease.

Breakthrough Genomics
Classification: Benign. Review status: criteria provided, single submitter. Criteria: ACMG Guidelines, 2015. Collection method: not provided. Allele origin: germline. Inheritance: Autosomal recessive inheritance. Affected: yes.

NM_001843.4(CNTN1):c.2981-72T>C

Gene: CNTN1 (contactin 1; plus strand). Cytogenetic location: 12q12.
Variant type: single nucleotide variant.
Coding change: c.2981-72T>C on transcript NM_001843.4 (MANE Select); 72 bases into the intron before coding-DNA position 2981, T replaced by C.
Molecular consequence: intron variant.
Genome position (GRCh38, 1-based): chr12:41,069,887, T>C. VCF-style: chr12-41069887-T-C. GRCh37 (hg19) VCF-style: chr12-41463689-T-C.
Other names: c.2948-72T>C (NM_175038.2).
Identifiers: ClinVar variation 679926 (VCV000679926.2), dbSNP rs11179698, ClinGen allele CA16442275.